The following is an entry in ClinVar:

NC_000016.10:g.75556253G>T

Gene: TMEM231 (transmembrane protein 231; minus strand). Cytogenetic location: 16q23.1.
Variant type: single nucleotide variant.
Molecular consequence: missense variant (on NM_001077416.2).
Genome position: GRCh38 VCF-style: chr16-75556253-G-T. GRCh37 (hg19) VCF-style: chr16-75590151-G-T.
Other names: c.19C>A, p.Gln7Lys (NM_001077416.2); short protein forms Q7K.
Identifiers: ClinVar variation 1025278 (VCV001025278.7), dbSNP rs1419518232, ClinGen allele CA623362377.
Genomic context (GRCh38, chr16:75,556,253, plus strand): 5'-AGCTCATAGAGCGCCATGAGCACCGCTCGCAGGCACTCCGCGAGCCGGGGGACCAAGTTT[G>T]GCTTCTCCTGGTTGCCATCGCCTCGGTCTCCACGGCAACCGACGGCTCACAGAAAGGAGC-3'

ClinVar aggregate classification (germline): Uncertain significance (1 of 4 stars; one submission).

Conditions:
Meckel syndrome, type 11 (MKS11). Identifiers: Orphanet 564, MedGen C3809352, MONDO:0014164, OMIM 615397.
Joubert syndrome 20 (JBTS20). Identifiers: Orphanet 475, MedGen C3554235, MONDO:0013994, OMIM 614970.

Allele frequency attached by ClinVar (database versions not stated): gnomAD 0.00001; gnomAD exomes below 0.00001; TOPMed 0.00002.

Submission:

Labcorp Genetics (formerly Invitae), Labcorp
Classification: Uncertain significance for Joubert syndrome 20; Meckel syndrome, type 11. Last evaluated: 2022-03-10. Review status: criteria provided, single submitter. Criteria: Invitae Variant Classification Sherloc (09022015). Collection method: clinical testing. Allele origin: germline.
Comment: This sequence change replaces glutamine, which is neutral and polar, with lysine, which is basic and polar, at codon 7 of the TMEM231 protein (p.Gln7Lys). This variant is present in population databases (no rsID available, gnomAD 0.01%). This variant has not been reported in the literature in individuals affected with TMEM231-related conditions. ClinVar contains an entry for this variant (Variation ID: 1025278). Algorithms developed to predict the effect of missense changes on protein structure and function are either unavailable or do not agree on the potential impact of this missense change (SIFT: "Deleterious"; PolyPhen-2: "Not Available"; Align-GVGD: "Class C0"). In summary, the available evidence is currently insufficient to determine the role of this variant in disease. Therefore, it has been classified as a Variant of Uncertain Significance.